The following is an entry in ClinVar:

ClinVar aggregate classification (germline): Uncertain significance (1 of 4 stars; one submission).

Allele frequency attached by ClinVar (database versions not stated): gnomAD 0.00001; TOPMed 0.00003.
gnomAD v4.1: 7 of 1,551,064 alleles (0.00045%); highest among the groups gnomAD compares: African/African-American, 0.0027%; no homozygotes.

Submission:

Labcorp Genetics (formerly Invitae), Labcorp
Classification: Uncertain significance. Last evaluated: 2022-09-27. Review status: criteria provided, single submitter. Criteria: Invitae Variant Classification Sherloc (09022015). Collection method: clinical testing. Allele origin: germline.
Comment: This sequence change replaces proline, which is neutral and non-polar, with leucine, which is neutral and non-polar, at codon 1754 of the EYS protein (p.Pro1754Leu). This variant is not present in population databases (gnomAD no frequency). This variant has not been reported in the literature in individuals affected with EYS-related conditions. Algorithms developed to predict the effect of missense changes on protein structure and function output the following: SIFT: "Tolerated"; PolyPhen-2: "Benign"; Align-GVGD: "Class C0". The leucine amino acid residue is found in multiple mammalian species, which suggests that this missense change does not adversely affect protein function. In summary, the available evidence is currently insufficient to determine the role of this variant in disease. Therefore, it has been classified as a Variant of Uncertain Significance.

NM_001142800.2(EYS):c.5261C>T (p.Pro1754Leu)

Gene: EYS (eyes shut homolog; minus strand). Cytogenetic location: 6q12.
Variant type: single nucleotide variant.
Coding change: c.5261C>T on transcript NM_001142800.2 (MANE Select); coding-DNA position 5261, C replaced by T.
Protein change: p.Pro1754Leu; replaces proline 1754 with leucine.
Molecular consequence: missense variant.
Genome position (GRCh38, 1-based): chr6:64,590,606, G>A on the plus strand (C>T on the coding strand, the complement: EYS is on the minus strand). VCF-style: chr6-64590606-G-A. GRCh37 (hg19) VCF-style: chr6-65300499-G-A.
Other names: c.5261C>T, p.Pro1754Leu (NM_001292009.2); short protein forms P1754L.
Identifiers: ClinVar variation 2194639 (VCV002194639.1), dbSNP rs926336698, ClinGen allele CA140340897.